The following is an entry in ClinVar:

ClinVar aggregate classification (germline): Likely benign (1 of 4 stars; one submission).

gnomAD v4.1: 2 of 1,614,006 alleles (0.00012%); highest among the groups gnomAD compares: Non-Finnish European, 0.00017%; no homozygotes.

Submission:

CeGaT Center for Human Genetics Tuebingen
Classification: Likely benign. Last evaluated: 2024-04-01. Review status: criteria provided, single submitter. Criteria: CeGaT Center For Human Genetics Tuebingen Variant Classification Criteria Version 2. Collection method: clinical testing. Allele origin: germline. Affected: yes. Observed: 1 variant allele.
Comment: FAT1: PM2:Supporting, BP4, BP7

NM_005245.4(FAT1):c.6786C>G (p.Gly2262=)

Gene: FAT1 (FAT atypical cadherin 1; minus strand). Cytogenetic location: 4q35.2.
Variant type: single nucleotide variant.
Coding change: c.6786C>G on transcript NM_005245.4 (MANE Select); coding-DNA position 6786, C replaced by G.
Protein change: p.Gly2262=; no amino-acid change (glycine 2262 retained).
Molecular consequence: synonymous variant.
Genome position (GRCh38, 1-based): chr4:186,619,800, G>C on the plus strand (C>G on the coding strand, the complement: FAT1 is on the minus strand). VCF-style: chr4-186619800-G-C. GRCh37 (hg19) VCF-style: chr4-187540954-G-C.
Identifiers: ClinVar variation 3234767 (VCV003234767.20), dbSNP rs371206556, ClinGen allele CA442893423.